The following is an entry in ClinVar:

ClinVar aggregate classification (germline): Uncertain significance (1 of 4 stars; one submission).

Conditions:
Hereditary cancer-predisposing syndrome. Also called: Hereditary Cancer Syndrome; Hereditary neoplastic syndrome; Neoplastic Syndromes, Hereditary; Tumor predisposition. Identifiers: Orphanet 140162, MedGen C0027672, MeSH D009386, MONDO:0015356.

Submission:

Ambry Genetics
Classification: Uncertain significance for Hereditary cancer-predisposing syndrome. Last evaluated: 2025-08-02. Review status: criteria provided, single submitter. Criteria: Ambry Variant Classification Scheme 2023. Collection method: clinical testing. Allele origin: germline.
Comment: The p.E149A variant (also known as c.446A>C), located in coding exon 3 of the CHEK2 gene, results from an A to C substitution at nucleotide position 446. The glutamic acid at codon 149 is replaced by alanine, an amino acid with dissimilar properties. This amino acid position is conserved. In addition, this alteration is predicted to be deleterious by in silico analysis. Based on the available evidence, the clinical significance of this variant remains unclear.

NM_007194.4(CHEK2):c.446A>C (p.Glu149Ala)

Gene: CHEK2 (checkpoint kinase 2; minus strand). Cytogenetic location: 22q12.1.
Variant type: single nucleotide variant.
Coding change: c.446A>C on transcript NM_007194.4 (MANE Select); coding-DNA position 446, A replaced by C.
Protein change: p.Glu149Ala; replaces glutamic acid 149 with alanine.
Molecular consequence: missense variant. On other transcripts: 5 prime UTR variant (2), intron variant (1).
Genome position (GRCh38, 1-based): chr22:28,725,123, T>G on the plus strand (A>C on the coding strand, the complement: CHEK2 is on the minus strand). VCF-style: chr22-28725123-T-G. GRCh37 (hg19) VCF-style: chr22-29121111-T-G.
Other names: c.575A>C, p.Glu192Ala (NM_001005735.3, NM_001438294.1); c.-332A>C (NM_001257387.3); c.-218A>C (NM_001437942.1); c.539A>C, p.Glu180Ala (NM_001438293.1, NM_001438295.1); c.446A>C, p.Glu149Ala (NM_145862.3); c.444+120A>C (NM_001349956.3); short protein forms E180A, E192A, E149A.
Identifiers: ClinVar variation 4228008 (VCV004228008.1).